The following is an entry in ClinVar:

NM_001127222.2(CACNA1A):c.462C>T (p.Ala154=)

Gene: CACNA1A (calcium voltage-gated channel subunit alpha1 A; minus strand). Cytogenetic location: 19p13.13.
Variant type: single nucleotide variant.
Coding change: c.462C>T on transcript NM_001127222.2 (MANE Select); coding-DNA position 462, C replaced by T.
Protein change: p.Ala154=; no amino-acid change (alanine 154 retained).
Molecular consequence: synonymous variant.
Genome position (GRCh38, 1-based): chr19:13,452,953, G>A on the plus strand (C>T on the coding strand, the complement: CACNA1A is on the minus strand). VCF-style: chr19-13452953-G-A. GRCh37 (hg19) VCF-style: chr19-13563767-G-A.
Other names: p.Ala154=; c.462C>T, p.Ala154= (NM_000068.4, NM_001127221.2, NM_001174080.2 and 1 more transcripts).
Identifiers: ClinVar variation 128554 (VCV000128554.23), dbSNP rs1800039, ClinGen allele CA152109.
Genomic context (GRCh38, chr19:13,452,953, plus strand): 5'-AAAGTCCATGACATTCCAGCCATTCCTCAAGTAGGAGCCTTTGTGGAAGGCAAACCCAAG[G>A]GCAATGATTTTAATTCCAGCCTCGAAACAAAAAATTCCAATGAAGTATGGTTCTGTGTCA-3'
Protein context (NP_001120694.1, residues 144-164): FCFEAGIKII[Ala154=]LGFAFHKGSY

ClinVar aggregate classification (germline): Benign. Review status: criteria provided, multiple submitters, no conflicts (2 of 4 stars). 6 submissions from 6 submitters: Benign (5). 1 of the submissions does not count toward it. Last evaluated 2026-02-03.

Conditions:
Episodic ataxia type 2 (EA2). Also called: ACETAZOLAMIDE-RESPONSIVE HEREDITARY PAROXYSMAL CEREBELLAR ATAXIA; ATAXIA, EPISODIC, WITH NYSTAGMUS; ATAXIA, FAMILIAL PAROXYSMAL; CEREBELLAR ATAXIA, PAROXYSMAL, ACETAZOLAMIDE-RESPONSIVE; CEREBELLOPATHY, HEREDITARY PAROXYSMAL; EPISODIC ATAXIA, NYSTAGMUS-ASSOCIATED. Identifiers: Orphanet 97, MedGen C1720416, MONDO:0007163, OMIM 108500.
Developmental and epileptic encephalopathy, 42 (DEE42A). Also called: DEVELOPMENTAL AND EPILEPTIC ENCEPHALOPATHY 42A; EPILEPTIC ENCEPHALOPATHY, EARLY INFANTILE, 42A; Epileptic encephalopathy, early infantile, 42. Identifiers: MedGen C4310716, MONDO:0014917, OMIM 617106.
Inborn genetic diseases. Identifiers: MedGen C0950123, MeSH D030342.

Allele frequency attached by ClinVar (database versions not stated): gnomAD exomes 0.00098 and 0.00227; ExAC 0.00268; gnomAD 0.00654 and 0.00699; ESP Exome Variant Server 0.00708; TOPMed 0.00776; 1000 Genomes Project 0.00958; 1000 Genomes Project 30x 0.00968.
gnomAD v4.1: 2,518 of 1,613,774 alleles (0.16%); highest among the groups gnomAD compares: African/African-American, 2.2%; 34 homozygotes.

Submissions (6):

Labcorp Genetics (formerly Invitae), Labcorp
Classification: Benign for Developmental and epileptic encephalopathy, 42; Episodic ataxia type 2. Last evaluated: 2026-02-03. Review status: criteria provided, single submitter. Criteria: Invitae Variant Classification Sherloc (09022015). Collection method: clinical testing. Allele origin: germline.

Athena Diagnostics
Classification: Benign. Last evaluated: 2021-10-20. Review status: criteria provided, single submitter. Criteria: Athena Diagnostics Criteria. Collection method: clinical testing. Allele origin: unknown.

Mayo Clinic Laboratories, Mayo Clinic
Classification: Benign. Last evaluated: 2018-05-21. Review status: criteria provided, single submitter. Criteria: ACMG Guidelines, 2015. Collection method: clinical testing. Allele origin: germline. Observed: 3 variant alleles.

Ambry Genetics
Classification: Benign for Inborn genetic diseases. Last evaluated: 2016-05-18. Review status: criteria provided, single submitter. Criteria: Ambry Variant Classification Scheme 2023. Collection method: clinical testing. Allele origin: germline.

GeneDx
Classification: Benign. Last evaluated: 2016-02-04. Review status: criteria provided, single submitter. Criteria: GeneDx Variant Classification (06012015). Collection method: clinical testing. Allele origin: germline. Affected: yes.
Comment: This variant is considered likely benign or benign based on one or more of the following criteria: it is a conservative change, it occurs at a poorly conserved position in the protein, it is predicted to be benign by multiple in silico algorithms, and/or has population frequency not consistent with disease.

Genetic Services Laboratory, University of Chicago
Classification: Likely benign for AllHighlyPenetrant. Review status: no assertion criteria provided. Collection method: clinical testing. Allele origin: germline. Inheritance: Autosomal dominant inheritance. Not counted in ClinVar's aggregate classification.
Comment: Likely benign based on allele frequency in 1000 Genomes Project or ESP global frequency and its presence in a patient with a rare or unrelated disease phenotype. NOT Sanger confirmed.